The following is an entry in ClinVar:

ClinVar aggregate classification (germline): Uncertain significance. Review status: criteria provided, multiple submitters, no conflicts (2 of 4 stars). 3 submissions from 3 submitters: Uncertain significance (3). Last evaluated 2024-07-30.

Conditions:
Hereditary cancer-predisposing syndrome. Also called: Hereditary neoplastic syndrome; Neoplastic Syndromes, Hereditary; Tumor predisposition; Hereditary Cancer Syndrome. Identifiers: Orphanet 140162, MedGen C0027672, MeSH D009386, MONDO:0015356.
Familial adenomatous polyposis 1 (FAP1). Also called: FAMILIAL ADENOMATOUS POLYPOSIS 1, ATTENUATED; POLYPOSIS, ADENOMATOUS INTESTINAL. Identifiers: MedGen C2713442, MONDO:0021056, OMIM 175100. Disease mechanism: loss of function.

Submissions (3):

Labcorp Genetics (formerly Invitae), Labcorp
Classification: Uncertain significance for Familial adenomatous polyposis 1. Last evaluated: 2024-07-30. Review status: criteria provided, single submitter. Criteria: Invitae Variant Classification Sherloc (09022015). Collection method: clinical testing. Allele origin: germline.
Comment: This sequence change replaces arginine, which is basic and polar, with lysine, which is basic and polar, at codon 2393 of the APC protein (p.Arg2393Lys). This variant is not present in population databases (gnomAD no frequency). This variant has not been reported in the literature in individuals affected with APC-related conditions. ClinVar contains an entry for this variant (Variation ID: 184824). Advanced modeling of protein sequence and biophysical properties (such as structural, functional, and spatial information, amino acid conservation, physicochemical variation, residue mobility, and thermodynamic stability) performed at Invitae indicates that this missense variant is not expected to disrupt APC protein function with a negative predictive value of 95%. In summary, the available evidence is currently insufficient to determine the role of this variant in disease. Therefore, it has been classified as a Variant of Uncertain Significance.

Color Diagnostics, LLC DBA Color Health
Classification: Uncertain significance for Hereditary cancer-predisposing syndrome. Last evaluated: 2024-03-06. Review status: criteria provided, single submitter. Criteria: ACMG Guidelines, 2015. Collection method: clinical testing. Allele origin: germline.
Comment: This missense variant replaces arginine with lysine at codon 2393 of the APC protein. Computational prediction suggests that this variant may not impact protein structure and function (internally defined REVEL score threshold <= 0.5, PMID: 27666373). To our knowledge, functional studies have not been reported for this variant. This variant has not been reported in individuals affected with APC-related disorders in the literature. This variant has not been identified in the general population by the Genome Aggregation Database (gnomAD). The available evidence is insufficient to determine the role of this variant in disease conclusively. Therefore, this variant is classified as a Variant of Uncertain Significance.

Ambry Genetics
Classification: Uncertain significance for Hereditary cancer-predisposing syndrome. Last evaluated: 2022-11-10. Review status: criteria provided, single submitter. Criteria: Ambry Variant Classification Scheme 2023. Collection method: clinical testing. Allele origin: germline.
Comment: The p.R2393K variant (also known as c.7178G>A), located in coding exon 15 of the APC gene, results from a G to A substitution at nucleotide position 7178. The arginine at codon 2393 is replaced by lysine, an amino acid with highly similar properties. This amino acid position is highly conserved in available vertebrate species. In addition, in silico predictors for this gene do not accurately predict pathogenicity. Since supporting evidence is limited at this time, the clinical significance of this alteration remains unclear.

NM_000038.6(APC):c.7178G>A (p.Arg2393Lys)

Gene: APC (APC regulator of Wnt signaling pathway; plus strand). Cytogenetic location: 5q22.2.
Variant type: single nucleotide variant.
Coding change: c.7178G>A on transcript NM_000038.6 (MANE Select); coding-DNA position 7178, G replaced by A.
Protein change: p.Arg2393Lys; replaces arginine 2393 with lysine.
Molecular consequence: missense variant.
Genome position (GRCh38, 1-based): chr5:112,842,772, G>A. VCF-style: chr5-112842772-G-A. GRCh37 (hg19) VCF-style: chr5-112178469-G-A.
Other names: c.7178G>A, p.Arg2393Lys (NM_001127510.3, NM_001354895.2); c.7124G>A, p.Arg2375Lys (NM_001127511.3); c.7232G>A, p.Arg2411Lys (NM_001354896.2); c.7208G>A, p.Arg2403Lys (NM_001354897.2); c.7103G>A, p.Arg2368Lys (NM_001354898.2); c.7094G>A, p.Arg2365Lys (NM_001354899.2); c.7055G>A, p.Arg2352Lys (NM_001354900.2); c.7001G>A, p.Arg2334Lys (NM_001354901.2); and 5 more; short protein forms R2375K, R2393K, R2403K, R2267K, R2368K, R2110K, R2292K, R2302K.
Identifiers: ClinVar variation 184824 (VCV000184824.20), dbSNP rs786201717, ClinGen allele CA012899.
Genomic context (GRCh38, chr5:112,842,772, plus strand): 5'-TGAGCCAACAGAACCTTACCAAACAAACAGGTTTATCCAAGAATGCCAGTAGTATTCCAA[G>A]AAGTGAGTCTGCCTCCAAAGGACTAAATCAGATGAATAATGGTAATGGAGCCAATAAAAA-3'
Protein context (NP_000029.2, residues 2383-2403): GLSKNASSIP[Arg2393Lys]SESASKGLNQ